The following is an entry in ClinVar:

NM_002693.3(POLG):c.2601T>C (p.Pro867=)

Gene: POLG (DNA polymerase gamma, catalytic subunit; minus strand). Cytogenetic location: 15q26.1.
Variant type: single nucleotide variant.
Coding change: c.2601T>C on transcript NM_002693.3 (MANE Select); coding-DNA position 2601, T replaced by C.
Protein change: p.Pro867=; no amino-acid change (proline 867 retained).
Molecular consequence: synonymous variant.
Genome position (GRCh38, 1-based): chr15:89,321,258, A>G on the plus strand (T>C on the coding strand, the complement: POLG is on the minus strand). VCF-style: chr15-89321258-A-G. GRCh37 (hg19) VCF-style: chr15-89864489-A-G.
Other names: p.P867P:CCT>CCC; c.2601T>C, p.Pro867= (NM_001126131.2).
Identifiers: ClinVar variation 138750 (VCV000138750.27), dbSNP rs201749977, ClinGen allele CA292834.

ClinVar aggregate classification (germline): Conflicting classifications of pathogenicity. Review status: criteria provided, conflicting classifications (1 of 4 stars). 8 submissions from 8 submitters: Uncertain significance (2); Benign (1); Likely benign (4). 1 of the submissions does not count toward it. Last evaluated 2026-07-28.

Conditions:
Inborn genetic diseases. Identifiers: MedGen C0950123, MeSH D030342.
POLG-related disorder. Also called: POLG-Related Spectrum Disorders; POLG-related condition; POLG-Related Disorders. Identifiers: MedGen C4763519.
Sensory ataxic neuropathy, dysarthria, and ophthalmoparesis (SANDO). Also called: Epilepsy, progressive myoclonic, type 5; SENSORY ATAXIC NEUROPATHY WITH MITOCHONDRIAL DNA DELETIONS, AUTOSOMAL RECESSIVE; Ataxia Neuropathy Spectrum (ANS); Sensory ataxic neuropathy-dysarthria-ophthalmoparesis syndrome. Identifiers: Orphanet 70595, MedGen C1843851, MONDO:0011835, OMIM 607459.
Mitochondrial DNA depletion syndrome 4b. Also called: Mitochondrial Neurogastrointestinal Encephalopathy Disease, POLG-Related; MNGIE, POLG-RELATED. Identifiers: Orphanet 298, MedGen C3150914, MONDO:0013350, OMIM 613662.
Progressive sclerosing poliodystrophy (MTDPS4A). Also called: Alpers Syndrome; ALPERS DIFFUSE DEGENERATION OF CEREBRAL GRAY MATTER WITH HEPATIC CIRRHOSIS; Alpers-Huttenlocher Syndrome; Mitochondrial DNA depletion syndrome 4A (Alpers type); Mitochondrial DNA Depletion Syndrome 4A; Alpers-Huttenlocher Syndrome (AHS). Identifiers: Orphanet 726, MedGen C0205710, MONDO:0008758, OMIM 203700.
Progressive external ophthalmoplegia with mitochondrial DNA deletions, autosomal dominant 1 (PEOA1). Also called: PROGRESSIVE EXTERNAL OPHTHALMOPLEGIA, AUTOSOMAL DOMINANT 1; Autosomal Dominant Progressive External Ophthalmoplegia (adPEO). Identifiers: MedGen C1834846, MONDO:0024528, OMIM 157640.
Progressive external ophthalmoplegia with mitochondrial DNA deletions, autosomal recessive 1 (PEOB1). Also called: Autosomal Recessive Progressive External Ophthalmoplegia (arPEO); Progressive external ophthalmoplegia, autosomal recessive 1. Identifiers: Orphanet 254886, MedGen C4225153, MONDO:0009783, OMIM 258450.

Allele frequency attached by ClinVar (database versions not stated): gnomAD exomes 0.00005 and 0.00008; gnomAD 0.00006; TOPMed 0.00006; ESP Exome Variant Server 0.00008; ExAC 0.00011.
gnomAD v4.1: 82 of 1,614,098 alleles (0.0051%); highest among the groups gnomAD compares: East Asian, 0.087%; 2 homozygotes.

Submissions (8):

Ambry Genetics
Classification: Likely benign for Inborn genetic diseases. Last evaluated: 2026-07-28. Review status: criteria provided, single submitter. Criteria: Ambry Variant Classification Scheme 2023. Collection method: clinical testing. Allele origin: germline.

Labcorp Genetics (formerly Invitae), Labcorp
Classification: Likely benign for Progressive sclerosing poliodystrophy. Last evaluated: 2026-01-09. Review status: criteria provided, single submitter. Criteria: Invitae Variant Classification Sherloc (09022015). Collection method: clinical testing. Allele origin: germline.

CeGaT Center for Human Genetics Tuebingen
Classification: Likely benign. Last evaluated: 2025-12-01. Review status: criteria provided, single submitter. Criteria: CeGaT Center For Human Genetics Tuebingen Variant Classification Criteria Version 2. Collection method: clinical testing. Allele origin: germline. Affected: yes. Observed: 1 variant allele.
Comment: POLG: BP4, BP7

Blueprint Genetics
Classification: Likely benign. Last evaluated: 2024-11-18. Review status: criteria provided, single submitter. Criteria: ACMG Guidelines, 2015. Collection method: clinical testing. Allele origin: germline.

Eurofins Ntd Llc (ga)
Classification: Uncertain significance. Last evaluated: 2018-08-07. Review status: criteria provided, single submitter. Criteria: EGL ClinVar v180209 classification definitions. Collection method: clinical testing. Allele origin: germline. Observed: 1 variant allele, 1 heterozygote.

Illumina Laboratory Services, Illumina
Classification: Uncertain significance for POLG-Related Spectrum Disorders. Last evaluated: 2018-01-12. Review status: criteria provided, single submitter. Criteria: ICSL Variant Classification Criteria 13 December 2019. Collection method: clinical testing. Allele origin: germline.

GeneDx
Classification: Benign. Last evaluated: 2014-04-09. Review status: criteria provided, single submitter. Criteria: GeneDx Variant Classification (06012015). Collection method: clinical testing. Allele origin: germline. Affected: yes.
Comment: This variant is considered likely benign or benign based on one or more of the following criteria: it is a conservative change, it occurs at a poorly conserved position in the protein, it is predicted to be benign by multiple in silico algorithms, and/or has population frequency not consistent with disease.

PreventionGenetics, part of Exact Sciences
Classification: Likely benign for POLG-related condition. Last evaluated: 2024-09-24. Review status: no assertion criteria provided. Collection method: clinical testing. Allele origin: germline. Not counted in ClinVar's aggregate classification.
Comment: This variant is classified as likely benign based on ACMG/AMP sequence variant interpretation guidelines (Richards et al. 2015 PMID: 25741868, with internal and published modifications).